The following is an entry in ClinVar:

NM_030957.4(ADAMTS10):c.1743C>T (p.Ile581=)

Gene: ADAMTS10 (ADAM metallopeptidase with thrombospondin type 1 motif 10; minus strand). Cytogenetic location: 19p13.2.
Variant type: single nucleotide variant.
Coding change: c.1743C>T on transcript NM_030957.4 (MANE Select); coding-DNA position 1743, C replaced by T.
Protein change: p.Ile581=; no amino-acid change (isoleucine 581 retained).
Molecular consequence: synonymous variant. On other transcripts: missense variant (1).
Genome position (GRCh38, 1-based): chr19:8,591,854, G>A on the plus strand (C>T on the coding strand, the complement: ADAMTS10 is on the minus strand). VCF-style: chr19-8591854-G-A. GRCh37 (hg19) VCF-style: chr19-8656738-G-A.
Other names: c.215C>T, p.Ser72Leu (NM_001282352.2); c.215C>T (NM_001282352.1); short protein forms S72L.
Identifiers: ClinVar variation 715259 (VCV000715259.15), dbSNP rs147694025, ClinGen allele CA9160381.

ClinVar aggregate classification (germline): Conflicting classifications of pathogenicity. Review status: criteria provided, conflicting classifications (1 of 4 stars). 4 submissions from 4 submitters: Uncertain significance (1); Likely benign (2). 1 of the submissions does not count toward it. Last evaluated 2026-01-27.

Conditions:
ADAMTS10-related disorder. Also called: ADAMTS10-related condition.
Weill-Marchesani syndrome. Also called: WM Syndrome; Mesodermal dysmorphodystrophy congenital. Identifiers: Orphanet 3449, MedGen C0265313, MONDO:0018096.

Allele frequency attached by ClinVar (database versions not stated): 1000 Genomes Project 0.00020; 1000 Genomes Project 30x 0.00031; ExAC 0.00045; gnomAD exomes 0.00053; TOPMed 0.00066; gnomAD 0.00067; ESP Exome Variant Server 0.00085.
gnomAD v4.1: 1,621 of 1,613,640 alleles (0.1%); highest among the groups gnomAD compares: Non-Finnish European, 0.13%; 3 homozygotes.

Submissions (4):

Labcorp Genetics (formerly Invitae), Labcorp
Classification: Likely benign. Last evaluated: 2026-01-27. Review status: criteria provided, single submitter. Criteria: Invitae Variant Classification Sherloc (09022015). Collection method: clinical testing. Allele origin: germline.

Blueprint Genetics
Classification: Likely benign. Last evaluated: 2024-11-06. Review status: criteria provided, single submitter. Criteria: ACMG Guidelines, 2015. Collection method: clinical testing. Allele origin: germline.

Illumina Laboratory Services, Illumina
Classification: Uncertain significance for Weill-Marchesani syndrome. Last evaluated: 2018-01-13. Review status: criteria provided, single submitter. Criteria: ICSL Variant Classification Criteria 13 December 2019. Collection method: clinical testing. Allele origin: germline.

PreventionGenetics, part of Exact Sciences
Classification: Likely benign for ADAMTS10-related condition. Last evaluated: 2024-07-17. Review status: no assertion criteria provided. Collection method: clinical testing. Allele origin: germline. Not counted in ClinVar's aggregate classification.
Comment: This variant is classified as likely benign based on ACMG/AMP sequence variant interpretation guidelines (Richards et al. 2015 PMID: 25741868, with internal and published modifications).